The following is an entry in ClinVar:

ClinVar aggregate classification (germline): Pathogenic (1 of 4 stars; one submission).

Submission:

ISCA Site 6
Classification: Pathogenic. Last evaluated: 2011-08-12. Review status: criteria provided, single submitter. Criteria: Kaminsky et al. (Genet Med. 2011). Collection method: clinical testing. Allele origin: de novo. Affected: yes. Observed: 1 variant allele.
Comment: Copy number variation identified through the course of routine clinical cytogenomic testing in postnatal populations. Clinical assertions have been curated as described in Kaminsky et al. 2011.

GRCh38/hg38 2p16.3(chr2:50488123-50945044)x1

Genes: MIR8485 (microRNA 8485; minus strand), NRXN1 (neurexin 1; minus strand), LOC110121071 (VISTA enhancer hs1348; plus strand), LOC129388861 (MPRA-validated peak3699 silencer; plus strand). Cytogenetic location: 2p16.3.
Variant type: copy number loss.
Change: copy number 1 (one copy instead of two) of chr2:50,488,123-50,945,044 (456.9 kb, GRCh38 coordinates, 1-based), cytogenetic band 2p16.3.
Identifiers: ClinVar variation 60140 (VCV000060140.2).